The following is an entry in ClinVar:

ClinVar aggregate classification (germline): Uncertain significance. Review status: criteria provided, multiple submitters, no conflicts (2 of 4 stars). 3 submissions from 3 submitters: Uncertain significance (3). Last evaluated 2025-12-16.

Conditions:
Primary ciliary dyskinesia. Also called: Ciliary dyskinesia. Identifiers: Orphanet 244, MedGen C0008780, MONDO:0016575, HP:0012265.

Submissions (3):

Ambry Genetics
Classification: Uncertain significance for Primary ciliary dyskinesia. Last evaluated: 2025-12-16. Review status: criteria provided, single submitter. Criteria: Ambry Variant Classification Scheme 2023. Collection method: clinical testing. Allele origin: germline.
Comment: The c.91_92delTCinsCT variant (also known as p.S31L), located in coding exon 1 of the RSPH4A gene, results from an in-frame deletion of TC and insertion of CT at nucleotide positions 91 to 92. This results in the substitution of the serine residue for a leucine residue at codon 31, an amino acid with dissimilar properties. This amino acid position is well conserved in available vertebrate species. In addition, this variant is predicted to be neutral by in silico analysis (Choi Y et al. PLoS ONE. 2012; 7(10):e46688). Based on the available evidence, the clinical significance of this variant remains unclear.

Labcorp Genetics (formerly Invitae), Labcorp
Classification: Uncertain significance for Primary ciliary dyskinesia. Last evaluated: 2022-10-05. Review status: criteria provided, single submitter. Criteria: Invitae Variant Classification Sherloc (09022015). Collection method: clinical testing. Allele origin: germline.
Comment: This sequence change replaces serine, which is neutral and polar, with leucine, which is neutral and non-polar, at codon 31 of the RSPH4A protein (p.Ser31Leu). This variant is present in population databases (no rsID available, gnomAD 1.2%). This variant has not been reported in the literature in individuals affected with RSPH4A-related conditions. ClinVar contains an entry for this variant (Variation ID: 216487). Algorithms developed to predict the effect of missense changes on protein structure and function are either unavailable or do not agree on the potential impact of this missense change (SIFT: "Not Available"; PolyPhen-2: "Benign"; Align-GVGD: "Not Available"). In summary, the available evidence is currently insufficient to determine the role of this variant in disease. Therefore, it has been classified as a Variant of Uncertain Significance.

Blueprint Genetics
Classification: Uncertain significance. Last evaluated: 2022-03-23. Review status: criteria provided, single submitter. Criteria: ACMG Guidelines, 2015. Collection method: clinical testing. Allele origin: germline.

NM_001010892.3(RSPH4A):c.91_92delinsCT (p.Ser31Leu)

Genes: RSPH4A (radial spoke head component 4A; plus strand), LOC129997052 (ATAC-STARR-seq lymphoblastoid active region 24998; plus strand). Cytogenetic location: 6q22.1.
Variant type: Indel.
Coding change: c.91_92delinsCT on transcript NM_001010892.3 (MANE Select); coding-DNA positions 91 to 92, TC replaced by CT.
Protein change: p.Ser31Leu; replaces serine 31 with leucine.
Molecular consequence: missense variant.
Genome position (GRCh38, 1-based): chr6:116,616,714-116,616,715, TC replaced by CT. VCF-style: chr6-116616714-TC-CT. GRCh37 (hg19) VCF-style: chr6-116937877-TC-CT.
Other names: c.91_92delinsCT (NM_001010892.2); c.91_92delinsCT, p.Ser31Leu (NM_001161664.2); short protein forms S31L.
Identifiers: ClinVar variation 216487 (VCV000216487.8), dbSNP rs863224690, ClinGen allele CA336721.